The following is an entry in ClinVar:

ClinVar aggregate classification (germline): Uncertain significance. Review status: criteria provided, multiple submitters, no conflicts (2 of 4 stars). 2 submissions from 2 submitters: Uncertain significance (2). Last evaluated 2022-08-12.

Conditions:
Tay-Sachs disease (TSD). Also called: HEXA DEFICIENCY; GM2 gangliosidosis, type 1; Hexosaminidase alpha-subunit deficiency (variant B); Sphingolipidosis, Tay-Sachs; HEXA Disorders; Hexosaminidase A Deficiency. Identifiers: Orphanet 845, MedGen C0039373, MONDO:0010100, OMIM 272800.

Allele frequency attached by ClinVar (database versions not stated): TOPMed 0.00004.
gnomAD v4.1: 24 of 1,613,736 alleles (0.0015%); highest among the groups gnomAD compares: Non-Finnish European, 0.0019%; no homozygotes.

Submissions (2):

Labcorp Genetics (formerly Invitae), Labcorp
Classification: Uncertain significance for Tay-Sachs disease. Last evaluated: 2022-08-12. Review status: criteria provided, single submitter. Criteria: Invitae Variant Classification Sherloc (09022015). Collection method: clinical testing. Allele origin: germline.
Comment: This sequence change replaces alanine, which is neutral and non-polar, with serine, which is neutral and polar, at codon 246 of the HEXA protein (p.Ala246Ser). This variant is present in population databases (no rsID available, gnomAD 0.003%). This variant has not been reported in the literature in individuals affected with HEXA-related conditions. ClinVar contains an entry for this variant (Variation ID: 801195). Algorithms developed to predict the effect of missense changes on protein structure and function (SIFT, PolyPhen-2, Align-GVGD) all suggest that this variant is likely to be disruptive. This variant disrupts the p.Ala246 amino acid residue in HEXA. Other variant(s) that disrupt this residue have been determined to be pathogenic (PMID: 18648917, 22789865). This suggests that this residue is clinically significant, and that variants that disrupt this residue are likely to be disease-causing. In summary, the available evidence is currently insufficient to determine the role of this variant in disease. Therefore, it has been classified as a Variant of Uncertain Significance.

Quest Diagnostics Nichols Institute San Juan Capistrano
Classification: Uncertain significance. Last evaluated: 2019-02-01. Review status: criteria provided, single submitter. Criteria: Quest Diagnostics criteria. Collection method: clinical testing. Allele origin: germline.

Literature cited by the submitters: PubMed 18648917 (cited by Labcorp Genetics (formerly Invitae), Labcorp); PubMed 22789865 (cited by Labcorp Genetics (formerly Invitae), Labcorp).

NM_000520.6(HEXA):c.736G>T (p.Ala246Ser)

Gene: HEXA (hexosaminidase subunit alpha; minus strand). Cytogenetic location: 15q23.
Variant type: single nucleotide variant.
Coding change: c.736G>T on transcript NM_000520.6 (MANE Select); coding-DNA position 736, G replaced by T.
Protein change: p.Ala246Ser; replaces alanine 246 with serine.
Molecular consequence: missense variant. On other transcripts: non-coding transcript variant (1).
Genome position (GRCh38, 1-based): chr15:72,350,587, C>A on the plus strand (G>T on the coding strand, the complement: HEXA is on the minus strand). VCF-style: chr15-72350587-C-A. GRCh37 (hg19) VCF-style: chr15-72642928-C-A.
Other names: c.769G>T, p.Ala257Ser (NM_001318825.2); short protein forms A246S, A257S.
Identifiers: ClinVar variation 801195 (VCV000801195.4), dbSNP rs758166013, ClinGen allele CA272612475.